The following is an entry in ClinVar:

NM_006734.4(HIVEP2):c.3186G>A (p.Ser1062=)

Gene: HIVEP2 (HIVEP zinc finger 2; minus strand). Cytogenetic location: 6q24.2.
Variant type: single nucleotide variant.
Coding change: c.3186G>A on transcript NM_006734.4 (MANE Select); coding-DNA position 3186, G replaced by A.
Protein change: p.Ser1062=; no amino-acid change (serine 1062 retained).
Molecular consequence: synonymous variant.
Genome position (GRCh38, 1-based): chr6:142,771,553, C>T on the plus strand (G>A on the coding strand, the complement: HIVEP2 is on the minus strand). VCF-style: chr6-142771553-C-T. GRCh37 (hg19) VCF-style: chr6-143092690-C-T.
Identifiers: ClinVar variation 2673080 (VCV002673080.26), dbSNP rs368129471, ClinGen allele CA4028303.
Genomic context (GRCh38, chr6:142,771,553, plus strand): 5'-CCGCACCAGAAAGCATTTCTTCCTCTCCCTGGACGGTGATACCGTGGAGGCTGCTGCTCC[C>T]GACACAGGAGCATGGGACAGATTCCCATAATCAAATGATTTGCTCCGAACTTCTGGGACT-3'
Protein context (NP_006725.3, residues 1052-1072): DYGNLSHAPV[Ser1062=]GAAASTVSPS

ClinVar aggregate classification (germline): Likely benign. Review status: criteria provided, multiple submitters, no conflicts (2 of 4 stars). 2 submissions from 2 submitters: Likely benign (2). Last evaluated 2025-03-26.

Allele frequency attached by ClinVar (database versions not stated): TOPMed 0.00004; gnomAD 0.00005; ESP Exome Variant Server 0.00016.
gnomAD v4.1: 31 of 1,613,794 alleles (0.0019%); highest among the groups gnomAD compares: African/African-American, 0.0067%; no homozygotes.

Submissions (2):

Labcorp Genetics (formerly Invitae), Labcorp
Classification: Likely benign. Last evaluated: 2025-03-26. Review status: criteria provided, single submitter. Criteria: Invitae Variant Classification Sherloc (09022015). Collection method: clinical testing. Allele origin: germline.

CeGaT Center for Human Genetics Tuebingen
Classification: Likely benign. Last evaluated: 2023-11-01. Review status: criteria provided, single submitter. Criteria: CeGaT Center For Human Genetics Tuebingen Variant Classification Criteria Version 2. Collection method: clinical testing. Allele origin: germline. Affected: yes. Observed: 1 variant allele.
Comment: HIVEP2: BP4, BP7